The following is an entry in ClinVar:

ClinVar aggregate classification (germline): Uncertain significance (1 of 4 stars; one submission).

Conditions:
Fanconi anemia, complementation group S (FANCS). Identifiers: MedGen C4554406, MONDO:0054748, OMIM 617883.

Submission:

Broad Center for Mendelian Genomics, Broad Institute of MIT and Harvard
Classification: Uncertain significance for Fanconi anemia, complementation group S. Last evaluated: 2025-07-22. Review status: criteria provided, single submitter. Criteria: ACMG/ClinGen CNV Guidelines, 2019. Collection method: research. Allele origin: biparental. Inheritance: Autosomal recessive inheritance. Affected: yes. Study: GREGoR Consortium.
Comment: The exon 1-2 duplication variant ([GRCh38] chr17:43120665_43127881x4) in BRCA1 (NM_007294.4) has not been previously reported in the literature in individuals with Fanconi anemia but has been identified in 0.015% (2/12564) of Admixed American chromosomes by the Genome Aggregation Database (gnomAD; DUP_CHR17_71E8B388), including one homozygote. Although this variant has been seen in the general population in a heterozygous state, its frequency is not high enough to rule out a pathogenic role. One duplication of similar genomic content has been reported in ClinVar (VCV000583578.4) and has been interpreted as a variant of uncertain significance by Labcorp Genetics. This intragenic variant duplicates the 5’ end of the gene including the first coding exon. This duplication is presumed to be in tandem, and it is unclear if this duplication will impact the protein. In summary, the clinical significance of the exon 1-2 duplication variant in BRCA1 is uncertain. The ACMG/ClinGen evidence codes and points used in this curation are as follows: 1: 0 points, 2: 0 points, 3: 0 points, 4-5: 0 points; Total: 0 points; Riggs 2020 (PMID: 31690835).

Single allele

Genes: BRCA1 (BRCA1 DNA repair associated; minus strand), NBR2 (neighbor of BRCA1 lncRNA 2; plus strand), LOC111589215 (BRCA1 promoter region; plus strand). Cytogenetic location: 17q21.31.
Variant type: Duplication.
Identifiers: ClinVar variation 4070936 (VCV004070936.1).